The following is an entry in ClinVar:

ClinVar aggregate classification (germline): Likely benign. Review status: criteria provided, multiple submitters, no conflicts (2 of 4 stars). 2 submissions from 2 submitters: Likely benign (2). Last evaluated 2026-01-21.

Allele frequency attached by ClinVar (database versions not stated): gnomAD exomes 0.00001; TOPMed 0.00002; gnomAD 0.00003.

Submissions (2):

Women's Health and Genetics/Laboratory Corporation of America, LabCorp
Classification: Likely benign. Last evaluated: 2026-01-21. Review status: criteria provided, single submitter. Criteria: LabCorp Variant Classification Summary - May 2015. Collection method: clinical testing. Allele origin: germline.
Comment: Variant summary: NDUFV1 c.156-11A>G alters a nucleotide located at a position not widely known to affect splicing. Consensus agreement among computation tools predict no significant impact on normal splicing. However, these predictions have yet to be confirmed by functional studies. The variant allele was found at a frequency of 4e-06 in 251496 control chromosomes. The available data on variant occurrences in the general population are insufficient to allow any conclusion about variant significance. To our knowledge, no occurrence of c.156-11A>G in individuals affected with NDUFV1-related conditions and no experimental evidence demonstrating its impact on protein function have been reported. ClinVar contains an entry for this variant (Variation ID: 1917741). Based on the evidence outlined above, the variant was classified as likely benign.

Labcorp Genetics (formerly Invitae), Labcorp
Classification: Likely benign. Last evaluated: 2023-10-25. Review status: criteria provided, single submitter. Criteria: Invitae Variant Classification Sherloc (09022015). Collection method: clinical testing. Allele origin: germline.

NM_007103.4(NDUFV1):c.156-11A>G

Gene: NDUFV1 (NADH:ubiquinone oxidoreductase core subunit V1; plus strand). Cytogenetic location: 11q13.2.
Variant type: single nucleotide variant.
Coding change: c.156-11A>G on transcript NM_007103.4 (MANE Select); 11 bases into the intron before coding-DNA position 156, A replaced by G.
Molecular consequence: intron variant.
Genome position (GRCh38, 1-based): chr11:67,608,541, A>G. VCF-style: chr11-67608541-A-G. GRCh37 (hg19) VCF-style: chr11-67376012-A-G.
Other names: c.129-11A>G (NM_001166102.2).
Identifiers: ClinVar variation 1917741 (VCV001917741.6), dbSNP rs974692989, ClinGen allele CA224178868.